The following is an entry in ClinVar:

NM_014630.3(ZNF592):c.2777G>A (p.Ser926Asn)

Gene: ZNF592 (zinc finger protein 592; plus strand). Cytogenetic location: 15q25.3.
Variant type: single nucleotide variant.
Coding change: c.2777G>A on transcript NM_014630.3 (MANE Select); coding-DNA position 2777, G replaced by A.
Protein change: p.Ser926Asn; replaces serine 926 with asparagine.
Molecular consequence: missense variant.
Genome position (GRCh38, 1-based): chr15:84,798,628, G>A. VCF-style: chr15-84798628-G-A. GRCh37 (hg19) VCF-style: chr15-85341859-G-A.
Other names: short protein forms S926N.
Identifiers: ClinVar variation 130840 (VCV000130840.10), dbSNP rs8182086, ClinGen allele CA156153.
Genomic context (GRCh38, chr15:84,798,628, plus strand): 5'-ATCGCTCTCCCCATCCCCAGAGCACCCACGGTGTTCCCCGAAATGTGGACGAGCTGTCAA[G>A]CCTCCAGTCTTCAGCGGACACATCCTCAAGCCGCCCTGGCTCTCGAGTTCCCACTGAGCC-3'
Protein context (NP_055445.2, residues 916-936): GVPRNVDELS[Ser926Asn]LQSSADTSSS

ClinVar aggregate classification (germline): Benign. Review status: criteria provided, multiple submitters, no conflicts (2 of 4 stars). 5 submissions from 5 submitters: Benign (2). 3 of the submissions do not count toward it. Last evaluated 2021-06-09.

Conditions:
Galloway-Mowat syndrome 1 (GAMOS1). Identifiers: Orphanet 2065, Orphanet 83472, MedGen C4551772, MONDO:0033005, OMIM 251300.

Allele frequency attached by ClinVar (database versions not stated): gnomAD exomes 0.29781 and 0.25086; 1000 Genomes Project 30x 0.37617; gnomAD 0.27524 and 0.28173; 1000 Genomes Project 0.37839; ESP Exome Variant Server 0.25631; TOPMed 0.29039; ExAC 0.29257.
gnomAD v4.1: 410,082 of 1,613,784 alleles (25%); highest among the groups gnomAD compares: East Asian, 43%; 55,769 homozygotes.

Submissions (5):

GeneDx
Classification: Benign. Last evaluated: 2021-06-09. Review status: criteria provided, single submitter. Criteria: GeneDx Variant Classification Process June 2021. Collection method: clinical testing. Allele origin: germline. Affected: yes.

Breakthrough Genomics
Classification: Benign. Review status: criteria provided, single submitter. Criteria: ACMG Guidelines, 2015. Collection method: not provided. Allele origin: germline. Inheritance: Unknown mechanism. Affected: yes.

Clinical Genetics DNA and cytogenetics Diagnostics Lab, Erasmus MC, Erasmus Medical Center
Classification: Benign. Review status: no assertion criteria provided. Collection method: clinical testing. Allele origin: germline. Affected: yes. Study: VKGL Data-share Consensus. Not counted in ClinVar's aggregate classification.

Diagnostic Laboratory, Department of Genetics, University Medical Center Groningen
Classification: Benign for Galloway-Mowat syndrome 1. Review status: no assertion criteria provided. Collection method: clinical testing. Allele origin: germline. Affected: yes. Study: VKGL Data-share Consensus. Not counted in ClinVar's aggregate classification.

Genetic Services Laboratory, University of Chicago
Classification: Likely benign for AllHighlyPenetrant. Review status: no assertion criteria provided. Collection method: clinical testing. Allele origin: germline. Inheritance: Autosomal recessive inheritance. Not counted in ClinVar's aggregate classification.
Comment: Likely benign based on allele frequency in 1000 Genomes Project or ESP global frequency and its presence in a patient with a rare or unrelated disease phenotype. NOT Sanger confirmed.